The following is an entry in ClinVar:

NM_000548.5(TSC2):c.1981G>A (p.Gly661Ser)

Gene: TSC2 (TSC complex subunit 2; plus strand). Cytogenetic location: 16p13.3.
Variant type: single nucleotide variant.
Coding change: c.1981G>A on transcript NM_000548.5 (MANE Select); coding-DNA position 1981, G replaced by A.
Protein change: p.Gly661Ser; replaces glycine 661 with serine.
Molecular consequence: missense variant.
Genome position (GRCh38, 1-based): chr16:2,071,818, G>A. VCF-style: chr16-2071818-G-A. GRCh37 (hg19) VCF-style: chr16-2121819-G-A.
Other names: c.1981G>A (NM_000548.4); c.1981G>A, p.Gly661Ser (NM_001077183.3, NM_001114382.3, NM_001363528.2 and 3 more transcripts); c.1870G>A, p.Gly624Ser (NM_001318827.2); c.1834G>A, p.Gly612Ser (NM_001318829.2); c.1381G>A, p.Gly461Ser (NM_001318831.2); c.2014G>A, p.Gly672Ser (NM_001318832.2); short protein forms G661S, G612S, G624S, G461S, G672S.
Identifiers: ClinVar variation 237974 (VCV000237974.66), dbSNP rs137854168, ClinGen allele CA035412.

ClinVar aggregate classification (germline): Benign/Likely benign. Review status: criteria provided, multiple submitters, no conflicts (2 of 4 stars). 12 submissions from 12 submitters: Benign (1); Likely benign (11). Last evaluated 2026-01-22.

Conditions:
TSC2-related disorder. Also called: TSC2-Related Disorders; TSC2-related condition.
Tuberous sclerosis syndrome (TSC). Also called: Tuberous Sclerosis Complex; Tuberous sclerosis. Identifiers: Orphanet 805, MedGen C0041341, MONDO:0001734.
Hereditary cancer-predisposing syndrome. Also called: Tumor predisposition; Hereditary Cancer Syndrome; Neoplastic Syndromes, Hereditary; Hereditary neoplastic syndrome. Identifiers: Orphanet 140162, MedGen C0027672, MeSH D009386, MONDO:0015356.
Tuberous sclerosis 2 (TSC2). Identifiers: Orphanet 805, MedGen C1860707, MONDO:0013199, OMIM 613254.

Allele frequency attached by ClinVar (database versions not stated): ExAC 0.00003; gnomAD 0.00003 and 0.00004; TOPMed 0.00004; gnomAD exomes 0.00005.
gnomAD v4.1: 144 of 1,601,062 alleles (0.009%); highest among the groups gnomAD compares: East Asian, 0.05%; no homozygotes.

Submissions (12):

Labcorp Genetics (formerly Invitae), Labcorp
Classification: Benign for Tuberous sclerosis 2. Last evaluated: 2026-01-22. Review status: criteria provided, single submitter. Criteria: Invitae Variant Classification Sherloc (09022015). Collection method: clinical testing. Allele origin: germline.

Myriad Genetics, Inc.
Classification: Likely benign for Tuberous sclerosis 2. Last evaluated: 2025-05-16. Review status: criteria provided, single submitter. Criteria: Myriad Autosomal Dominant, Autosomal Recessive and X-Linked Classification Criteria (2023). Collection method: clinical testing. Allele origin: unknown.
Comment: This variant is considered likely benign. This variant has been observed at a population frequency that is significantly greater than expected given the associated disease prevalence and penetrance.

PreventionGenetics, part of Exact Sciences
Classification: Likely benign for TSC2-related condition. Last evaluated: 2025-03-04. Review status: criteria provided, single submitter. Criteria: ACMG Guidelines, 2015. Collection method: clinical testing. Allele origin: germline.
Comment: This variant is classified as likely benign based on ACMG/AMP sequence variant interpretation guidelines (Richards et al. 2015 PMID: 25741868, with internal and published modifications).

Quest Diagnostics Nichols Institute San Juan Capistrano
Classification: Likely benign. Last evaluated: 2025-02-26. Review status: criteria provided, single submitter. Criteria: Quest Diagnostics criteria. Collection method: clinical testing. Allele origin: unknown.

CeGaT Center for Human Genetics Tuebingen
Classification: Likely benign. Last evaluated: 2024-11-01. Review status: criteria provided, single submitter. Criteria: CeGaT Center For Human Genetics Tuebingen Variant Classification Criteria Version 2. Collection method: clinical testing. Allele origin: germline. Affected: yes. Observed: 2 variant alleles.
Comment: TSC2: BP4, BS2

Ambry Genetics
Classification: Likely benign for Hereditary cancer-predisposing syndrome. Last evaluated: 2024-10-25. Review status: criteria provided, single submitter. Criteria: Ambry Variant Classification Scheme 2023. Collection method: clinical testing. Allele origin: germline.

Blueprint Genetics
Classification: Likely benign. Last evaluated: 2024-09-05. Review status: criteria provided, single submitter. Criteria: ACMG Guidelines, 2015. Collection method: clinical testing. Allele origin: germline.

Color Diagnostics, LLC DBA Color Health
Classification: Likely benign for Tuberous sclerosis syndrome. Last evaluated: 2022-09-23. Review status: criteria provided, single submitter. Criteria: ACMG Guidelines, 2015. Collection method: clinical testing. Allele origin: germline.

Genome-Nilou Lab
Classification: Likely benign for Tuberous sclerosis 2. Last evaluated: 2021-11-07. Review status: criteria provided, single submitter. Criteria: ACMG Guidelines, 2015. Collection method: clinical testing. Allele origin: germline. Affected: no.

GeneDx
Classification: Likely benign. Last evaluated: 2021-06-16. Review status: criteria provided, single submitter. Criteria: GeneDx Variant Classification Process June 2021. Collection method: clinical testing. Allele origin: germline. Affected: yes.
Comment: This variant is associated with the following publications: (PMID: 28385778)

Sema4
Classification: Likely benign for Hereditary cancer-predisposing syndrome. Last evaluated: 2021-03-04. Review status: criteria provided, single submitter. Criteria: Sema4 Curation Guidelines. Collection method: curation. Allele origin: germline.

Athena Diagnostics
Classification: Likely benign. Last evaluated: 2020-04-03. Review status: criteria provided, single submitter. Criteria: Athena Diagnostics Criteria. Collection method: clinical testing. Allele origin: unknown.